The following is an entry in ClinVar:

NM_018668.5(VPS33B):c.1690T>C (p.Ser564Pro)

Gene: VPS33B (VPS33B late endosome and lysosome associated; minus strand). Cytogenetic location: 15q26.1.
Variant type: single nucleotide variant.
Coding change: c.1690T>C on transcript NM_018668.5 (MANE Select); coding-DNA position 1690, T replaced by C.
Protein change: p.Ser564Pro; replaces serine 564 with proline.
Molecular consequence: missense variant.
Genome position (GRCh38, 1-based): chr15:90,999,761, A>G on the plus strand (T>C on the coding strand, the complement: VPS33B is on the minus strand). VCF-style: chr15-90999761-A-G. GRCh37 (hg19) VCF-style: chr15-91542991-A-G.
Other names: c.1609T>C, p.Ser537Pro (NM_001289148.1); c.1417T>C, p.Ser473Pro (NM_001289149.1); short protein forms S473P, S564P, S537P.
Identifiers: ClinVar variation 4700883 (VCV004700883.1).

ClinVar aggregate classification (germline): Uncertain significance (1 of 4 stars; one submission).

gnomAD v4.1: 3 of 1,613,928 alleles (0.00019%); highest among the groups gnomAD compares: Non-Finnish European, 0.00025%; no homozygotes.

Submission:

Labcorp Genetics (formerly Invitae), Labcorp
Classification: Uncertain significance. Last evaluated: 2025-11-28. Review status: criteria provided, single submitter. Criteria: Invitae Variant Classification Sherloc (09022015). Collection method: clinical testing. Allele origin: germline.
Comment: This sequence change replaces serine, which is neutral and polar, with proline, which is neutral and non-polar, at codon 564 of the VPS33B protein (p.Ser564Pro). This variant is present in population databases (no rsID available, gnomAD 0.007%). This variant has not been reported in the literature in individuals affected with VPS33B-related conditions. Invitae Evidence Modeling of protein sequence and biophysical properties (such as structural, functional, and spatial information, amino acid conservation, physicochemical variation, residue mobility, and thermodynamic stability) indicates that this missense variant is not expected to disrupt VPS33B protein function with a negative predictive value of 80%. In summary, the available evidence is currently insufficient to determine the role of this variant in disease. Therefore, it has been classified as a Variant of Uncertain Significance.